The following is an entry in ClinVar:

NM_002905.5(RDH5):c.340G>A (p.Val114Met)

Genes: BLOC1S1-RDH5 (BLOC1S1-RDH5 readthrough; plus strand), RDH5 (retinol dehydrogenase 5; plus strand). Cytogenetic location: 12q13.2.
Variant type: single nucleotide variant.
Coding change: c.340G>A on transcript NM_002905.5 (MANE Select); coding-DNA position 340, G replaced by A.
Protein change: p.Val114Met; replaces valine 114 with methionine.
Molecular consequence: missense variant. On other transcripts: non-coding transcript variant (1).
Genome position (GRCh38, 1-based): chr12:55,721,718, G>A. VCF-style: chr12-55721718-G-A. GRCh37 (hg19) VCF-style: chr12-56115502-G-A.
Other names: c.340G>A, p.Val114Met (NM_001199771.3); short protein forms V114M.
Identifiers: ClinVar variation 959908 (VCV000959908.12), dbSNP rs141098197, ClinGen allele CA6616813.

ClinVar aggregate classification (germline): Uncertain significance. Review status: criteria provided, multiple submitters, no conflicts (2 of 4 stars). 4 submissions from 4 submitters: Uncertain significance (4). Last evaluated 2025-04-10.

Conditions:
Inborn genetic diseases. Identifiers: MedGen C0950123, MeSH D030342.
RDH5-related disorder. Also called: RDH5-related condition.

Allele frequency attached by ClinVar (database versions not stated): TOPMed 0.00005; gnomAD exomes 0.00007; ESP Exome Variant Server 0.00008.
gnomAD v4.1: 99 of 1,612,798 alleles (0.0061%); highest among the groups gnomAD compares: Non-Finnish European, 0.0084%; no homozygotes.

Submissions (4):

PreventionGenetics, part of Exact Sciences
Classification: Uncertain significance for RDH5-related condition. Last evaluated: 2025-04-10. Review status: criteria provided, single submitter. Criteria: ACMG Guidelines, 2015. Collection method: clinical testing. Allele origin: germline.
Comment: The RDH5 c.340G>A variant is predicted to result in the amino acid substitution p.Val114Met. To our knowledge, this variant has not been reported in the literature. This variant is reported in 0.0047% of alleles in individuals of European (Non-Finnish) descent in gnomAD. At this time, the clinical significance of this variant is uncertain due to the absence of conclusive functional and genetic evidence.

Ambry Genetics
Classification: Uncertain significance for Inborn genetic diseases. Last evaluated: 2024-06-20. Review status: criteria provided, single submitter. Criteria: Ambry Variant Classification Scheme 2023. Collection method: clinical testing. Allele origin: germline.

Labcorp Genetics (formerly Invitae), Labcorp
Classification: Uncertain significance. Last evaluated: 2023-11-27. Review status: criteria provided, single submitter. Criteria: Invitae Variant Classification Sherloc (09022015). Collection method: clinical testing. Allele origin: germline.
Comment: This sequence change replaces valine, which is neutral and non-polar, with methionine, which is neutral and non-polar, at codon 114 of the RDH5 protein (p.Val114Met). This variant is present in population databases (rs141098197, gnomAD 0.005%). This variant has not been reported in the literature in individuals affected with RDH5-related conditions. ClinVar contains an entry for this variant (Variation ID: 959908). Advanced modeling of protein sequence and biophysical properties (such as structural, functional, and spatial information, amino acid conservation, physicochemical variation, residue mobility, and thermodynamic stability) performed at Invitae indicates that this missense variant is not expected to disrupt RDH5 protein function with a negative predictive value of 80%. In summary, the available evidence is currently insufficient to determine the role of this variant in disease. Therefore, it has been classified as a Variant of Uncertain Significance.

Blueprint Genetics
Classification: Uncertain significance. Last evaluated: 2022-08-17. Review status: criteria provided, single submitter. Criteria: ACMG Guidelines, 2015. Collection method: clinical testing. Allele origin: germline.